The following is an entry in ClinVar:

NM_006343.3(MERTK):c.296_297del (p.Thr99fs)

Gene: MERTK (MER proto-oncogene, tyrosine kinase; plus strand). Cytogenetic location: 2q13.
Variant type: Microsatellite.
Coding change: c.296_297del on transcript NM_006343.3 (MANE Select); coding-DNA positions 296 to 297, 2 bases deleted (CA; older notation c.296_297delCA).
Protein change: p.Thr99fs; shifts the reading frame from threonine 99.
Molecular consequence: frameshift variant.
Genome position (GRCh38, 1-based): chr2:111,929,354-111,929,355, CA deleted; deleting any 2 consecutive bases within chr2:111,929,349-111,929,355 gives the same sequence; the c. name uses the placement nearest the transcript's 3' end. VCF-style (leftmost placement, unchanged base first): chr2-111929348-AAC-A. GRCh37 (hg19) VCF-style: chr2-112686925-AAC-A.
Other names: short protein forms T99fs.
Identifiers: ClinVar variation 2203132 (VCV002203132.9), dbSNP rs756229364, ClinGen allele CA1831014.

ClinVar aggregate classification (germline): Pathogenic. Review status: criteria provided, multiple submitters, no conflicts (2 of 4 stars). 3 submissions from 3 submitters: Pathogenic (3). Last evaluated 2023-06-09.

Conditions:
Retinitis pigmentosa 38 (RP38). Also called: ROD-CONE DYSTROPHY, CHILDHOOD-ONSET. Identifiers: Orphanet 791, MedGen C3151228, MONDO:0013469, OMIM 613862.

Submissions (3):

Department of Pathology and Laboratory Medicine, Sinai Health System
Classification: Pathogenic for Retinitis pigmentosa 38. Last evaluated: 2023-06-09. Review status: criteria provided, single submitter. Criteria: ACMG Guidelines, 2015. Collection method: research. Allele origin: germline.

Labcorp Genetics (formerly Invitae), Labcorp
Classification: Pathogenic. Last evaluated: 2022-09-28. Review status: criteria provided, single submitter. Criteria: Invitae Variant Classification Sherloc (09022015). Collection method: clinical testing. Allele origin: germline.
Comment: For these reasons, this variant has been classified as Pathogenic. This variant is also known as c.291_292delAC, p.Lys97LysfsX10. This premature translational stop signal has been observed in individual(s) with clinical features of retinitis pigmentosa and cone-rod dystrophy (PMID: 28512305, 31054281, 33090715). This variant is present in population databases (rs756229364, gnomAD 0.02%). This sequence change creates a premature translational stop signal (p.Thr99Serfs*8) in the MERTK gene. It is expected to result in an absent or disrupted protein product. Loss-of-function variants in MERTK are known to be pathogenic (PMID: 24265693, 29659094).

Juno Genomics, Hangzhou Juno Genomics, Inc
Classification: Pathogenic for Retinitis pigmentosa 38. Review status: criteria provided, single submitter. Criteria: ACMG Guidelines, 2015. Collection method: clinical testing. Allele origin: germline.
Comment: Absent from controls (or at extremely low frequency if recessive) in Genome Aggregation Database.;Null variant in a gene where loss of function (LOF) is a known mechanism of disease.;For recessive disorders, detected in trans with a pathogenic variant.;Patient's phenotype or family history is highly specific for a disease with a single genetic etiology.

Literature cited by the submitters: PubMed 28512305 (cited by Labcorp Genetics (formerly Invitae), Labcorp); PubMed 31054281 (cited by Labcorp Genetics (formerly Invitae), Labcorp); PubMed 33090715 (cited by Labcorp Genetics (formerly Invitae), Labcorp); PubMed 24265693 (cited by Labcorp Genetics (formerly Invitae), Labcorp); PubMed 29659094 (cited by Labcorp Genetics (formerly Invitae), Labcorp).